The following is an entry in ClinVar:

ClinVar aggregate classification (germline): Conflicting classifications of pathogenicity. Review status: criteria provided, conflicting classifications (1 of 4 stars). 4 submissions from 4 submitters: Uncertain significance (1); Likely benign (3). Last evaluated 2024-07-19.

Conditions:
Cardiovascular phenotype. Identifiers: MedGen CN230736.
Dilated cardiomyopathy 1G (CMD1G). Identifiers: Orphanet 154, MedGen C1858763, MONDO:0011400, OMIM 604145.
Autosomal recessive limb-girdle muscular dystrophy type 2J (LGMDR10). Also called: Limb-girdle muscular dystrophy, type 2J; MUSCULAR DYSTROPHY, LIMB-GIRDLE, AUTOSOMAL RECESSIVE 10. Identifiers: Orphanet 140922, MedGen C1837342, MONDO:0012127, OMIM 608807.

Allele frequency attached by ClinVar (database versions not stated): ExAC 0.00001; gnomAD exomes 0.00001; gnomAD 0.00003.
gnomAD v4.1: 3 of 1,612,078 alleles (0.00019%); highest among the groups gnomAD compares: Non-Finnish European, 0.00025%; no homozygotes.

Submissions (4):

Labcorp Genetics (formerly Invitae), Labcorp
Classification: Likely benign for Dilated cardiomyopathy 1G; Autosomal recessive limb-girdle muscular dystrophy type 2J. Last evaluated: 2024-07-19. Review status: criteria provided, single submitter. Criteria: Invitae Variant Classification Sherloc (09022015). Collection method: clinical testing. Allele origin: germline.

Ambry Genetics
Classification: Likely benign for Cardiovascular phenotype. Last evaluated: 2019-08-29. Review status: criteria provided, single submitter. Criteria: Ambry Variant Classification Scheme 2023. Collection method: clinical testing. Allele origin: germline.

Eurofins Ntd Llc (ga)
Classification: Uncertain significance. Last evaluated: 2015-12-04. Review status: criteria provided, single submitter. Criteria: EGL Classification Definitions 2015. Collection method: clinical testing. Allele origin: germline. Observed: 1 variant allele, 1 heterozygote.

Laboratory for Molecular Medicine, Mass General Brigham Personalized Medicine
Classification: Likely benign. Last evaluated: 2014-08-21. Review status: criteria provided, single submitter. Criteria: LMM Criteria. Collection method: clinical testing. Allele origin: germline. Observed: 1 variant allele.
Comment: Thr13941Thr in exon 212 of TTN: This variant is not expected to have clinical si gnificance because it does not alter an amino acid residue and is not located wi thin the splice consensus sequence.

NM_001267550.2(TTN):c.49527A>G (p.Thr16509=)

Genes: TTN-AS1 (TTN antisense RNA 1; plus strand), TTN (titin; minus strand). Cytogenetic location: 2q31.2.
Variant type: single nucleotide variant.
Coding change: c.49527A>G on transcript NM_001267550.2 (MANE Select); coding-DNA position 49527, A replaced by G.
Protein change: p.Thr16509=; no amino-acid change (threonine 16509 retained).
Molecular consequence: synonymous variant.
Genome position (GRCh38, 1-based): chr2:178,613,756, T>C on the plus strand (A>G on the coding strand, the complement: TTN is on the minus strand). VCF-style: chr2-178613756-T-C. GRCh37 (hg19) VCF-style: chr2-179478483-T-C.
Other names: c.41823A>G, p.Thr13941= (NM_133378.4); c.44604A>G, p.Thr14868= (NM_001256850.1); c.22332A>G, p.Thr7444= (NM_003319.4); c.22707A>G, p.Thr7569= (NM_133432.3); c.22908A>G, p.Thr7636= (NM_133437.4).
Identifiers: ClinVar variation 179965 (VCV000179965.18), dbSNP rs727505248, ClinGen allele CA185526.